The following is an entry in ClinVar:

ClinVar aggregate classification (germline): Pathogenic/Likely pathogenic. Review status: criteria provided, multiple submitters, no conflicts (2 of 4 stars). 2 submissions from 2 submitters: Pathogenic (1); Likely pathogenic (1). Last evaluated 2025-11-10.

Conditions:
Granulomatous disease, chronic, autosomal recessive, cytochrome b-positive, type 3. Also called: GRANULOMATOUS DISEASE, CHRONIC, DUE TO NCF4 DEFICIENCY; Granulomatous disease, chronic, autosomal recessive, cytochrome b-positive, type III; GRANULOMATOUS DISEASE, CHRONIC, AUTOSOMAL RECESSIVE, 3; CGD, AUTOSOMAL RECESSIVE CYTOCHROME b-POSITIVE, TYPE III. Identifiers: Orphanet 379, MedGen C3151409, MONDO:0013507, OMIM 613960.

Submissions (2):

Labcorp Genetics (formerly Invitae), Labcorp
Classification: Pathogenic for Granulomatous disease, chronic, autosomal recessive, cytochrome b-positive, type 3. Last evaluated: 2025-11-10. Review status: criteria provided, single submitter. Criteria: Invitae Variant Classification Sherloc (09022015). Collection method: clinical testing. Allele origin: germline.
Comment: This sequence change creates a premature translational stop signal (p.Lys205Argfs*27) in the NCF4 gene. It is expected to result in an absent or disrupted protein product. Loss-of-function variants in NCF4 are known to be pathogenic (PMID: 16880254, 19692703, 20167518). This variant is present in population databases (rs757106743, gnomAD 0.003%). This variant has not been reported in the literature in individuals affected with NCF4-related conditions. ClinVar contains an entry for this variant (Variation ID: 2585469). For these reasons, this variant has been classified as Pathogenic.

Neuberg Centre For Genomic Medicine, NCGM
Classification: Likely pathogenic for Granulomatous disease, chronic, autosomal recessive, cytochrome b-positive, type 3. Review status: criteria provided, single submitter. Criteria: ACMG Guidelines, 2015. Collection method: clinical testing. Allele origin: germline. Inheritance: Autosomal recessive inheritance. Affected: yes.
Comment: The frameshift variant has not been reported previously as a pathogenic variant nor as a benign variant, to our knowledge. This variant is reported with the allele frequency (0.0004%) in the gnomAD and novel in 1000 genome database. This variant is predicted to cause loss of normal protein function through protein truncation. Loss of function variants have been previously reported to be disease causing. For these reasons, this variant has been classified as Likely Pathogenic.

Literature cited by the submitters: PubMed 16880254 (cited by Labcorp Genetics (formerly Invitae), Labcorp); PubMed 19692703 (cited by Labcorp Genetics (formerly Invitae), Labcorp); PubMed 20167518 (cited by Labcorp Genetics (formerly Invitae), Labcorp).

NM_000631.5(NCF4):c.614_615del (p.Lys205fs)

Gene: NCF4 (neutrophil cytosolic factor 4; plus strand). Cytogenetic location: 22q12.3.
Variant type: Deletion.
Coding change: c.614_615del on transcript NM_000631.5 (MANE Select); coding-DNA positions 614 to 615, 2 bases deleted (AA; older notation c.614_615delAA).
Protein change: p.Lys205fs; shifts the reading frame from lysine 205.
Molecular consequence: frameshift variant.
Genome position (GRCh38, 1-based): chr22:36,872,412-36,872,413, AA deleted; deleting any 2 consecutive bases within chr22:36,872,411-36,872,413 gives the same sequence; the c. name uses the placement nearest the transcript's 3' end. VCF-style (leftmost placement, unchanged base first): chr22-36872410-CAA-C. GRCh37 (hg19) VCF-style: chr22-37268452-CAA-C.
Other names: c.614_615del, p.Lys205fs (NM_013416.4); c.614_615delAA, p.Lys205Argfs (NM_013416.3); short protein forms K205fs.
Identifiers: ClinVar variation 2585469 (VCV002585469.2), dbSNP rs757106743, ClinGen allele CA10213095.
Genomic context (GRCh38, chr22:36,872,410, plus strand): 5'-CAGCAAACTGGAGCTGAATTTCAAAGCTGGAGATGTGATCTTCCTCCTCAGTCGGATCAA[CAA>C]AGACTGGCTGGAGGTGAGTTCAGAAGTGAGGATGGAGGTGAGATTGAAGGTGAGGTTGGA-3'